The following is an entry in ClinVar:

ClinVar aggregate classification (germline): Uncertain significance (1 of 4 stars; one submission).

Submission:

GeneDx
Classification: Uncertain significance. Last evaluated: 2024-12-09. Review status: criteria provided, single submitter. Criteria: GeneDx Variant Classification Process June 2021. Collection method: clinical testing. Allele origin: germline. Affected: yes.
Comment: Not observed at significant frequency in large population cohorts (gnomAD); In silico analysis supports that this missense variant has a deleterious effect on protein structure/function; Has not been previously published as pathogenic or benign to our knowledge

NM_020706.2(SCAF4):c.71C>T (p.Ala24Val)

Gene: SCAF4 (SR-related CTD associated factor 4; minus strand). Cytogenetic location: 21q22.11.
Variant type: single nucleotide variant.
Coding change: c.71C>T on transcript NM_020706.2 (MANE Select); coding-DNA position 71, C replaced by T.
Protein change: p.Ala24Val; replaces alanine 24 with valine.
Molecular consequence: missense variant.
Genome position (GRCh38, 1-based): chr21:31,706,317, G>A on the plus strand (C>T on the coding strand, the complement: SCAF4 is on the minus strand). VCF-style: chr21-31706317-G-A. GRCh37 (hg19) VCF-style: chr21-33078630-G-A.
Other names: c.71C>T, p.Ala24Val (NM_001145444.1, NM_001145445.1); short protein forms A24V.
Identifiers: ClinVar variation 3372771 (VCV003372771.2).